The following is an entry in ClinVar:

ClinVar aggregate classification (germline): Pathogenic. Review status: criteria provided, multiple submitters, no conflicts (2 of 4 stars). 3 submissions from 3 submitters: Pathogenic (2). 1 of the submissions does not count toward it. Last evaluated 2025-11-03.

Conditions:
Bloom syndrome (BLM). Also called: Bloom-Torre-Machacek syndrome. Identifiers: Orphanet 125, MedGen C0005859, MONDO:0008876, OMIM 210900.

Submissions (3):

Labcorp Genetics (formerly Invitae), Labcorp
Classification: Pathogenic for Bloom syndrome. Last evaluated: 2025-11-03. Review status: criteria provided, single submitter. Criteria: Invitae Variant Classification Sherloc (09022015). Collection method: clinical testing. Allele origin: germline.
Comment: This sequence change creates a premature translational stop signal (p.Thr203Serfs*4) in the BLM gene. It is expected to result in an absent or disrupted protein product. Loss-of-function variants in BLM are known to be pathogenic (PMID: 17407155). This variant is not present in population databases (gnomAD no frequency). This variant has not been reported in the literature in individuals affected with BLM-related conditions. For these reasons, this variant has been classified as Pathogenic.

Revvity Omics, Revvity
Classification: Pathogenic for Bloom syndrome. Last evaluated: 2019-02-12. Review status: criteria provided, single submitter. Criteria: ACMG Guidelines, 2015. Collection method: clinical testing. Allele origin: germline.

Counsyl
Classification: Likely pathogenic for Bloom syndrome. Last evaluated: 2017-09-20. Review status: no assertion criteria provided. Collection method: clinical testing. Allele origin: unknown. Not counted in ClinVar's aggregate classification.

Literature cited by the submitters: PubMed 17407155 (cited by Labcorp Genetics (formerly Invitae), Labcorp).

NM_000057.4(BLM):c.608_609del (p.Thr203fs)

Gene: BLM (BLM RecQ like helicase; plus strand). Cytogenetic location: 15q26.1.
Variant type: Microsatellite.
Coding change: c.608_609del on transcript NM_000057.4 (MANE Select); coding-DNA positions 608 to 609, 2 bases deleted (CA; older notation c.608_609delCA).
Protein change: p.Thr203fs; shifts the reading frame from threonine 203.
Molecular consequence: frameshift variant. On other transcripts: 5 prime UTR variant (1).
Genome position (GRCh38, 1-based): chr15:90,749,876-90,749,877, CA deleted; deleting any 2 consecutive bases within chr15:90,749,873-90,749,877 gives the same sequence; the c. name uses the placement nearest the transcript's 3' end. VCF-style (leftmost placement, unchanged base first): chr15-90749872-AAC-A. GRCh37 (hg19) VCF-style: chr15-91293102-AAC-A.
Other names: c.608_609del, p.Thr203fs (NM_001287246.2, NM_001287247.2); c.-686CA[1] (NM_001287248.2); c.608_609delCA (NM_000057.2); short protein forms T203fs.
Identifiers: ClinVar variation 553925 (VCV000553925.12), dbSNP rs1170049553, ClinGen allele CA619860704.